The following is an entry in ClinVar:

NM_000038.6(APC):c.8285T>C (p.Phe2762Ser)

Gene: APC (APC regulator of Wnt signaling pathway; plus strand). Cytogenetic location: 5q22.2.
Variant type: single nucleotide variant.
Coding change: c.8285T>C on transcript NM_000038.6 (MANE Select); coding-DNA position 8285, T replaced by C.
Protein change: p.Phe2762Ser; replaces phenylalanine 2762 with serine.
Molecular consequence: missense variant.
Genome position (GRCh38, 1-based): chr5:112,843,879, T>C. VCF-style: chr5-112843879-T-C. GRCh37 (hg19) VCF-style: chr5-112179576-T-C.
Other names: c.8285T>C, p.Phe2762Ser (NM_001127510.3, NM_001354895.2); c.8231T>C, p.Phe2744Ser (NM_001127511.3); c.8339T>C, p.Phe2780Ser (NM_001354896.2); c.8315T>C, p.Phe2772Ser (NM_001354897.2); c.8210T>C, p.Phe2737Ser (NM_001354898.2); c.8201T>C, p.Phe2734Ser (NM_001354899.2); c.8162T>C, p.Phe2721Ser (NM_001354900.2); c.8108T>C, p.Phe2703Ser (NM_001354901.2); and 5 more; short protein forms F2602S, F2671S, F2772S, F2661S, F2737S, F2744S, F2780S, F2479S.
Identifiers: ClinVar variation 659961 (VCV000659961.13), dbSNP rs1580692153, ClinGen allele CA16039305.

ClinVar aggregate classification (germline): Uncertain significance. Review status: criteria provided, multiple submitters, no conflicts (2 of 4 stars). 2 submissions from 2 submitters: Uncertain significance (2). Last evaluated 2024-05-03.

Conditions:
Hereditary cancer-predisposing syndrome. Also called: Hereditary neoplastic syndrome; Neoplastic Syndromes, Hereditary; Hereditary Cancer Syndrome; Tumor predisposition. Identifiers: Orphanet 140162, MedGen C0027672, MeSH D009386, MONDO:0015356.
Familial adenomatous polyposis 1 (FAP1). Also called: POLYPOSIS, ADENOMATOUS INTESTINAL; FAMILIAL ADENOMATOUS POLYPOSIS 1, ATTENUATED. Identifiers: MedGen C2713442, MONDO:0021056, OMIM 175100. Disease mechanism: loss of function.

Submissions (2):

Ambry Genetics
Classification: Uncertain significance for Hereditary cancer-predisposing syndrome. Last evaluated: 2024-05-03. Review status: criteria provided, single submitter. Criteria: Ambry Variant Classification Scheme 2023. Collection method: clinical testing. Allele origin: germline.
Comment: The p.F2762S variant (also known as c.8285T>C), located in coding exon 15 of the APC gene, results from a T to C substitution at nucleotide position 8285. The phenylalanine at codon 2762 is replaced by serine, an amino acid with highly dissimilar properties. Missense alterations in APC are not a common cause of disease (Spier I et al. Genet Med. 2024 Feb;26(2):100992). This amino acid position is highly conserved in available vertebrate species. In addition, in silico predictors for this gene do not accurately predict pathogenicity. Based on the available evidence, the clinical significance of this variant remains unclear.

Labcorp Genetics (formerly Invitae), Labcorp
Classification: Uncertain significance for Familial adenomatous polyposis 1. Last evaluated: 2018-09-18. Review status: criteria provided, single submitter. Criteria: Invitae Variant Classification Sherloc (09022015). Collection method: clinical testing. Allele origin: germline.
Comment: This variant is not present in population databases (ExAC no frequency). This variant has not been reported in the literature in individuals with APC-related disease. Algorithms developed to predict the effect of missense changes on protein structure and function (SIFT, PolyPhen-2, Align-GVGD) all suggest that this variant is likely to be disruptive, but these predictions have not been confirmed by published functional studies and their clinical significance is uncertain. In summary, the available evidence is currently insufficient to determine the role of this variant in disease. Therefore, it has been classified as a Variant of Uncertain Significance. This sequence change replaces phenylalanine with serine at codon 2762 of the APC protein (p.Phe2762Ser). The phenylalanine residue is highly conserved and there is a large physicochemical difference between phenylalanine and serine.